The following is an entry in ClinVar:

ClinVar aggregate classification (germline): Conflicting classifications of pathogenicity. Review status: criteria provided, conflicting classifications (1 of 4 stars). 2 submissions from 2 submitters: Uncertain significance (1); Likely benign (1). Last evaluated 2024-10-21.

Conditions:
Gastrointestinal stromal tumor. Also called: Gastrointestinal stromal tumor, somatic; Gastrointestinal stroma tumor. Identifiers: Orphanet 44890, MedGen C0238198, MeSH D046152, MONDO:0011719, OMIM 606764, HP:0100723.
Hereditary cancer-predisposing syndrome. Also called: Hereditary Cancer Syndrome; Tumor predisposition; Neoplastic Syndromes, Hereditary; Hereditary neoplastic syndrome. Identifiers: Orphanet 140162, MedGen C0027672, MeSH D009386, MONDO:0015356.

Submissions (2):

Labcorp Genetics (formerly Invitae), Labcorp
Classification: Uncertain significance for Gastrointestinal stromal tumor. Last evaluated: 2024-10-21. Review status: criteria provided, single submitter. Criteria: Invitae Variant Classification Sherloc (09022015). Collection method: clinical testing. Allele origin: germline.
Comment: This sequence change replaces alanine, which is neutral and non-polar, with threonine, which is neutral and polar, at codon 431 of the KIT protein (p.Ala431Thr). This variant is not present in population databases (gnomAD no frequency). This variant has not been reported in the literature in individuals affected with KIT-related conditions. ClinVar contains an entry for this variant (Variation ID: 643846). An algorithm developed to predict the effect of missense changes on protein structure and function (PolyPhen-2) suggests that this variant is likely to be tolerated. In summary, the available evidence is currently insufficient to determine the role of this variant in disease. Therefore, it has been classified as a Variant of Uncertain Significance.

Ambry Genetics
Classification: Likely benign for Hereditary cancer-predisposing syndrome. Last evaluated: 2024-10-15. Review status: criteria provided, single submitter. Criteria: Ambry Variant Classification Scheme 2023. Collection method: clinical testing. Allele origin: germline.

NM_000222.3(KIT):c.1291G>A (p.Ala431Thr)

Gene: KIT (KIT proto-oncogene, receptor tyrosine kinase; plus strand). Cytogenetic location: 4q12.
Variant type: single nucleotide variant.
Coding change: c.1291G>A on transcript NM_000222.3 (MANE Select); coding-DNA position 1291, G replaced by A.
Protein change: p.Ala431Thr; replaces alanine 431 with threonine.
Molecular consequence: missense variant.
Genome position (GRCh38, 1-based): chr4:54,723,643, G>A. VCF-style: chr4-54723643-G-A. GRCh37 (hg19) VCF-style: chr4-55589809-G-A.
Other names: c.1291G>A, p.Ala431Thr (NM_001093772.2, NM_001385285.1, NM_001385286.1); c.1294G>A, p.Ala432Thr (NM_001385284.1, NM_001385288.1, NM_001385290.1 and 1 more transcripts); short protein forms A431T, A432T.
Identifiers: ClinVar variation 643846 (VCV000643846.10), dbSNP rs962542157, ClinGen allele CA356905598.